The following is an entry in ClinVar:

NM_004360.5(CDH1):c.966C>T (p.Asn322=)

Gene: CDH1 (cadherin 1; plus strand). Cytogenetic location: 16q22.1.
Variant type: single nucleotide variant.
Coding change: c.966C>T on transcript NM_004360.5 (MANE Select); coding-DNA position 966, C replaced by T.
Protein change: p.Asn322=; no amino-acid change (asparagine 322 retained).
Molecular consequence: synonymous variant. On other transcripts: 5 prime UTR variant (2).
Genome position (GRCh38, 1-based): chr16:68,811,817, C>T. VCF-style: chr16-68811817-C-T. GRCh37 (hg19) VCF-style: chr16-68845720-C-T.
Other names: c.966C>T, p.Asn322= (NM_001317184.2); c.-650C>T (NM_001317185.2); c.-854C>T (NM_001317186.2); c.966C>T (LRG_301t1).
Identifiers: ClinVar variation 513532 (VCV000513532.12), dbSNP rs1555515654, ClinGen allele CA496152944.

ClinVar aggregate classification (germline): Benign/Likely benign. Review status: criteria provided, multiple submitters, no conflicts (2 of 4 stars). 4 submissions from 4 submitters: Benign (1); Likely benign (3). Last evaluated 2025-06-15.

Conditions:
Hereditary cancer-predisposing syndrome. Also called: Hereditary Cancer Syndrome; Tumor predisposition; Neoplastic Syndromes, Hereditary; Hereditary neoplastic syndrome. Identifiers: Orphanet 140162, MedGen C0027672, MeSH D009386, MONDO:0015356.
Hereditary diffuse gastric adenocarcinoma (HDGC). Also called: DIFFUSE GASTRIC AND LOBULAR BREAST CANCER SYNDROME. Identifiers: Orphanet 26106, MedGen C1708349, MONDO:0007648, OMIM 137215.

Allele frequency attached by ClinVar (database versions not stated): gnomAD exomes below 0.00001.
gnomAD v4.1: 1 of 1,614,162 alleles (0.000062%); highest among the groups gnomAD compares: Non-Finnish European, 0.000085%; no homozygotes.

Submissions (4):

Labcorp Genetics (formerly Invitae), Labcorp
Classification: Likely benign for Hereditary diffuse gastric adenocarcinoma. Last evaluated: 2025-06-15. Review status: criteria provided, single submitter. Criteria: Invitae Variant Classification Sherloc (09022015). Collection method: clinical testing. Allele origin: germline.

Myriad Genetics, Inc.
Classification: Benign for Hereditary diffuse gastric adenocarcinoma. Last evaluated: 2024-09-17. Review status: criteria provided, single submitter. Criteria: Myriad Autosomal Dominant, Autosomal Recessive and X-Linked Classification Criteria (2023). Collection method: clinical testing. Allele origin: unknown.
Comment: This variant is considered benign. This variant is a silent/synonymous amino acid change and it is not expected to impact splicing.

Ambry Genetics
Classification: Likely benign for Hereditary cancer-predisposing syndrome. Last evaluated: 2022-11-10. Review status: criteria provided, single submitter. Criteria: Ambry Variant Classification Scheme 2023. Collection method: clinical testing. Allele origin: germline.

GeneDx
Classification: Likely benign. Last evaluated: 2017-11-16. Review status: criteria provided, single submitter. Criteria: GeneDx Variant Classification (06012015). Collection method: clinical testing. Allele origin: germline. Affected: yes.
Comment: This variant is considered likely benign or benign based on one or more of the following criteria: it is a conservative change, it occurs at a poorly conserved position in the protein, it is predicted to be benign by multiple in silico algorithms, and/or has population frequency not consistent with disease.